The following is an entry in ClinVar:

NM_003640.5(ELP1):c.202del (p.Ser68fs)

Gene: ELP1 (elongator acetyltransferase complex subunit 1; minus strand). Cytogenetic location: 9q31.3.
Variant type: Deletion.
Coding change: c.202del on transcript NM_003640.5 (MANE Select); coding-DNA position 202, one base deleted (A; older notation c.202delA).
Protein change: p.Ser68fs; shifts the reading frame from serine 68.
Molecular consequence: frameshift variant. On other transcripts: 5 prime UTR variant (2).
Genome position (GRCh38, 1-based): chr9:108,929,870, T deleted on the plus strand (A on the coding strand, the reverse complement: ELP1 is on the minus strand); the first of 2 consecutive T bases (chr9:108,929,870-108,929,871); deleting either gives the same sequence. VCF-style (leftmost placement, unchanged base first): chr9-108929869-CT-C. GRCh37 (hg19) VCF-style: chr9-111692149-CT-C.
Other names: c.-141del (NM_001318360.2); c.-658del (NM_001330749.2); short protein forms S68fs.
Identifiers: ClinVar variation 2133453 (VCV002133453.4), dbSNP rs2537964026, ClinGen allele CA2580079357.

ClinVar aggregate classification (germline): Pathogenic (1 of 4 stars; one submission).

Submission:

Labcorp Genetics (formerly Invitae), Labcorp
Classification: Pathogenic. Last evaluated: 2022-05-04. Review status: criteria provided, single submitter. Criteria: Invitae Variant Classification Sherloc (09022015). Collection method: clinical testing. Allele origin: germline.
Comment: This sequence change creates a premature translational stop signal (p.Ser68Valfs*41) in the ELP1 gene. It is expected to result in an absent or disrupted protein product. Loss-of-function variants in ELP1 are known to be pathogenic (PMID: 18303054, 24173031). This variant is not present in population databases (gnomAD no frequency). This variant has not been reported in the literature in individuals affected with ELP1-related conditions. For these reasons, this variant has been classified as Pathogenic.

Literature cited by the submitters: PubMed 18303054; PubMed 24173031.